The following is an entry in ClinVar:

ClinVar aggregate classification (germline): Conflicting classifications of pathogenicity. Review status: criteria provided, conflicting classifications (1 of 4 stars). 3 submissions from 3 submitters: Uncertain significance (2); Benign (1). Last evaluated 2023-04-15.

Conditions:
Developmental and epileptic encephalopathy, 42 (DEE42A). Also called: Epileptic encephalopathy, early infantile, 42; DEVELOPMENTAL AND EPILEPTIC ENCEPHALOPATHY 42A; EPILEPTIC ENCEPHALOPATHY, EARLY INFANTILE, 42A. Identifiers: MedGen C4310716, MONDO:0014917, OMIM 617106.
Episodic ataxia type 2 (EA2). Also called: ATAXIA, EPISODIC, WITH NYSTAGMUS; ATAXIA, FAMILIAL PAROXYSMAL; CEREBELLAR ATAXIA, PAROXYSMAL, ACETAZOLAMIDE-RESPONSIVE; CEREBELLOPATHY, HEREDITARY PAROXYSMAL; EPISODIC ATAXIA, NYSTAGMUS-ASSOCIATED; ACETAZOLAMIDE-RESPONSIVE HEREDITARY PAROXYSMAL CEREBELLAR ATAXIA. Identifiers: Orphanet 97, MedGen C1720416, MONDO:0007163, OMIM 108500.
Inborn genetic diseases. Identifiers: MedGen C0950123, MeSH D030342.

Allele frequency attached by ClinVar (database versions not stated): ExAC 0.00002; gnomAD 0.00002 and 0.00003; gnomAD exomes 0.00002 and 0.00003; TOPMed 0.00002; 1000 Genomes Project 30x 0.00016; 1000 Genomes Project 0.00020.
gnomAD v4.1: 49 of 1,612,732 alleles (0.003%); highest among the groups gnomAD compares: Non-Finnish European, 0.0036%; no homozygotes.

Submissions (3):

Labcorp Genetics (formerly Invitae), Labcorp
Classification: Benign for Developmental and epileptic encephalopathy, 42; Episodic ataxia type 2. Last evaluated: 2023-04-15. Review status: criteria provided, single submitter. Criteria: Invitae Variant Classification Sherloc (09022015). Collection method: clinical testing. Allele origin: germline.

CeGaT Center for Human Genetics Tuebingen
Classification: Uncertain significance. Last evaluated: 2023-03-01. Review status: criteria provided, single submitter. Criteria: CeGaT Center For Human Genetics Tuebingen Variant Classification Criteria Version 2. Collection method: clinical testing. Allele origin: germline. Affected: yes. Observed: 1 variant allele.
Comment: CACNA1A: PP2

Ambry Genetics
Classification: Uncertain significance for Inborn genetic diseases. Last evaluated: 2022-02-10. Review status: criteria provided, single submitter. Criteria: Ambry Variant Classification Scheme 2023. Collection method: clinical testing. Allele origin: germline.

NM_001127222.2(CACNA1A):c.6140C>T (p.Pro2047Leu)

Gene: CACNA1A (calcium voltage-gated channel subunit alpha1 A; minus strand). Cytogenetic location: 19p13.13.
Variant type: single nucleotide variant.
Coding change: c.6140C>T on transcript NM_001127222.2 (MANE Select); coding-DNA position 6140, C replaced by T.
Protein change: p.Pro2047Leu; replaces proline 2047 with leucine.
Molecular consequence: missense variant.
Genome position (GRCh38, 1-based): chr19:13,212,433, G>A on the plus strand (C>T on the coding strand, the complement: CACNA1A is on the minus strand). VCF-style: chr19-13212433-G-A. GRCh37 (hg19) VCF-style: chr19-13323247-G-A.
Other names: c.6158C>T, p.Pro2053Leu (NM_000068.4, NM_023035.3); c.6143C>T, p.Pro2048Leu (NM_001127221.2); c.6149C>T, p.Pro2050Leu (NM_001174080.2); short protein forms P2047L, P2048L, P2053L, P2050L.
Identifiers: ClinVar variation 859851 (VCV000859851.38), dbSNP rs539347883, ClinGen allele CA9239464.
Genomic context (GRCh38, chr19:13,212,433, plus strand): 5'-GACAGAGGCACCTGAGAGTTAGGCTGGCTGTTGGGCATGTCGGTAGGGGGGCCTTGTTCC[G>A]GACTCCATGTGCCCGTCTTCTGGAACATCTCCTGGGCACGCTGGGTCACCCAGGACGGGC-3'
Protein context (NP_001120694.1, residues 2037-2057): EMFQKTGTWS[Pro2047Leu]EQGPPTDMPN